The following is an entry in ClinVar:

NM_020693.4(DSCAML1):c.4003T>C (p.Ser1335Pro)

Gene: DSCAML1 (DS cell adhesion molecule like 1; minus strand). Cytogenetic location: 11q23.3.
Variant type: single nucleotide variant.
Coding change: c.4003T>C on transcript NM_020693.4 (MANE Select); coding-DNA position 4003, T replaced by C.
Protein change: p.Ser1335Pro; replaces serine 1335 with proline.
Molecular consequence: missense variant.
Genome position (GRCh38, 1-based): chr11:117,439,407, A>G on the plus strand (T>C on the coding strand, the complement: DSCAML1 is on the minus strand). VCF-style: chr11-117439407-A-G. GRCh37 (hg19) VCF-style: chr11-117310123-A-G.
Other names: short protein forms S1335P.
Identifiers: ClinVar variation 2144775 (VCV002144775.4), dbSNP rs371512047, ClinGen allele CA6296510.

ClinVar aggregate classification (germline): Uncertain significance (1 of 4 stars; one submission).

Allele frequency attached by ClinVar (database versions not stated): gnomAD 0.00003; ExAC 0.00005; TOPMed 0.00005; gnomAD exomes 0.00013; ESP Exome Variant Server 0.00015.
gnomAD v4.1: 192 of 1,613,216 alleles (0.012%); highest among the groups gnomAD compares: Non-Finnish European, 0.015%; no homozygotes.

Submission:

Labcorp Genetics (formerly Invitae), Labcorp
Classification: Uncertain significance. Last evaluated: 2024-03-01. Review status: criteria provided, single submitter. Criteria: Invitae Variant Classification Sherloc (09022015). Collection method: clinical testing. Allele origin: germline.
Comment: This sequence change replaces serine, which is neutral and polar, with proline, which is neutral and non-polar, at codon 1395 of the DSCAML1 protein (p.Ser1395Pro). This variant is present in population databases (rs371512047, gnomAD 0.007%). This variant has not been reported in the literature in individuals affected with DSCAML1-related conditions. ClinVar contains an entry for this variant (Variation ID: 2144775). An algorithm developed to predict the effect of missense changes on protein structure and function (PolyPhen-2) suggests that this variant is likely to be tolerated. In summary, the available evidence is currently insufficient to determine the role of this variant in disease. Therefore, it has been classified as a Variant of Uncertain Significance.